The following is an entry in ClinVar:

ClinVar aggregate classification (germline): Uncertain significance (1 of 4 stars; one submission).

Submission:

GeneDx
Classification: Uncertain significance. Last evaluated: 2024-03-07. Review status: criteria provided, single submitter. Criteria: GeneDx Variant Classification Process June 2021. Collection method: clinical testing. Allele origin: germline. Affected: yes.
Comment: Not observed at significant frequency in large population cohorts (gnomAD); Missense variants in this gene are a common cause of disease and they are underrepresented in the general population; In silico analysis supports that this missense variant has a deleterious effect on protein structure/function; Has not been previously published as pathogenic or benign to our knowledge

NM_004985.5(KRAS):c.488T>C (p.Ile163Thr)

Gene: KRAS (KRAS proto-oncogene, GTPase; minus strand). Cytogenetic location: 12p12.1.
Variant type: single nucleotide variant.
Coding change: c.488T>C on transcript NM_004985.5 (MANE Select); coding-DNA position 488, T replaced by C.
Protein change: p.Ile163Thr; replaces isoleucine 163 with threonine.
Molecular consequence: missense variant. On other transcripts: 3 prime UTR variant (2).
Genome position (GRCh38, 1-based): chr12:25,209,874, A>G on the plus strand (T>C on the coding strand, the complement: KRAS is on the minus strand). VCF-style: chr12-25209874-A-G. GRCh37 (hg19) VCF-style: chr12-25362808-A-G.
Other names: c.*42T>C (NM_001369786.1, NM_033360.4); c.488T>C, p.Ile163Thr (NM_001369787.1); short protein forms I163T.
Identifiers: ClinVar variation 3373678 (VCV003373678.1).
Genomic context (GRCh38, chr12:25,209,874, plus strand): 5'-GTCTTTGACTTCTTTTTCTTCTTTTTACCATCTTTGCTCATCTTTTCTTTATGTTTTCGA[A>G]TTTCTCGAACTAATGTATAGAAGGCATCATCAACACCCTGAAATACATAAAAAGTATTAA-3'
Protein context (NP_004976.2, residues 153-173): DDAFYTLVRE[Ile163Thr]RKHKEKMSKD